The following is an entry in ClinVar:

ClinVar aggregate classification (germline): Likely benign. Review status: criteria provided, multiple submitters, no conflicts (2 of 4 stars). 3 submissions from 3 submitters: Likely benign (2). 1 of the submissions does not count toward it. Last evaluated 2026-01-18.

Conditions:
RECQL4-related disorder. Also called: RECQL4-related condition; RECQL4-related disorders.
Baller-Gerold syndrome (BGS). Also called: CRANIOSYNOSTOSIS WITH RADIAL DEFECTS. Identifiers: Orphanet 1225, MedGen C0265308, MONDO:0009039, OMIM 218600.

Allele frequency attached by ClinVar (database versions not stated): gnomAD 0.00004 and 0.00005; ExAC 0.00006; gnomAD exomes 0.00006 and 0.00009; TOPMed 0.00006; 1000 Genomes Project 30x 0.00016.
gnomAD v4.1: 141 of 1,604,496 alleles (0.0088%); highest among the groups gnomAD compares: South Asian, 0.028%; no homozygotes.

Submissions (3):

Labcorp Genetics (formerly Invitae), Labcorp
Classification: Likely benign for Baller-Gerold syndrome. Last evaluated: 2026-01-18. Review status: criteria provided, single submitter. Criteria: Invitae Variant Classification Sherloc (09022015). Collection method: clinical testing. Allele origin: germline.

Mayo Clinic Laboratories, Mayo Clinic
Classification: Likely benign. Last evaluated: 2025-10-08. Review status: criteria provided, single submitter. Criteria: ACMG Guidelines, 2015. Collection method: clinical testing. Allele origin: germline. Observed: 1 variant allele.
Comment: BP4, BP7

PreventionGenetics, part of Exact Sciences
Classification: Likely benign for RECQL4-related condition. Last evaluated: 2021-06-16. Review status: no assertion criteria provided. Collection method: clinical testing. Allele origin: germline. Not counted in ClinVar's aggregate classification.
Comment: This variant is classified as likely benign based on ACMG/AMP sequence variant interpretation guidelines (Richards et al. 2015 PMID: 25741868, with internal and published modifications).

NM_004260.4(RECQL4):c.3236+9G>A

Gene: RECQL4 (RecQ like helicase 4; minus strand). Cytogenetic location: 8q24.3.
Variant type: single nucleotide variant.
Coding change: c.3236+9G>A on transcript NM_004260.4 (MANE Select); 9 bases into the intron after coding-DNA position 3236, G replaced by A.
Molecular consequence: intron variant.
Genome position (GRCh38, 1-based): chr8:144,512,135, C>T on the plus strand (G>A on the coding strand, the complement: RECQL4 is on the minus strand). VCF-style: chr8-144512135-C-T. GRCh37 (hg19) VCF-style: chr8-145737518-C-T.
Other names: p.?.
Identifiers: ClinVar variation 459467 (VCV000459467.14), dbSNP rs747467559, ClinGen allele CA4947876.